The following is an entry in ClinVar:

ClinVar aggregate classification (germline): Uncertain significance (1 of 4 stars; one submission).

Conditions:
Inborn genetic diseases. Identifiers: MedGen C0950123, MeSH D030342.

Submission:

Ambry Genetics
Classification: Uncertain significance for Inborn genetic diseases. Last evaluated: 2025-12-02. Review status: criteria provided, single submitter. Criteria: Ambry Variant Classification Scheme 2023. Collection method: clinical testing. Allele origin: germline.
Comment: The p.K865R variant (also known as c.2594A>G), located in coding exon 27 of the RTEL1 gene, results from an A to G substitution at nucleotide position 2594. The lysine at codon 865 is replaced by arginine, an amino acid with highly similar properties. This amino acid position is conserved. In addition, this alteration is predicted to be tolerated by in silico analysis. Based on the available evidence, the clinical significance of this variant remains unclear.

NM_001283009.2(RTEL1):c.2594A>G (p.Lys865Arg)

Genes: RTEL1 (regulator of telomere elongation helicase 1; plus strand), RTEL1-TNFRSF6B (RTEL1-TNFRSF6B readthrough (NMD candidate); plus strand). Cytogenetic location: 20q13.33.
Variant type: single nucleotide variant.
Coding change: c.2594A>G on transcript NM_001283009.2 (MANE Select); coding-DNA position 2594, A replaced by G.
Protein change: p.Lys865Arg; replaces lysine 865 with arginine.
Molecular consequence: missense variant. On other transcripts: non-coding transcript variant (1).
Genome position (GRCh38, 1-based): chr20:63,691,779, A>G. VCF-style: chr20-63691779-A-G. GRCh37 (hg19) VCF-style: chr20-62323132-A-G.
Other names: c.1925A>G, p.Lys642Arg (NM_001283010.1); c.2594A>G, p.Lys865Arg (NM_016434.4); c.2666A>G, p.Lys889Arg (NM_032957.5); short protein forms K865R, K889R, K642R.
Identifiers: ClinVar variation 4629636 (VCV004629636.1).
Genomic context (GRCh38, chr20:63,691,779, plus strand): 5'-GTTGTGAGCTGTGTCCTCCTCAGGCCCACAGCTGCTCCACCCTGTCCCTCCTGTCTGAGA[A>G]GAGGCCGGCAGAAGAACCGCGAGGAGGGAGGAAGAAGATCCGGCTGGTCAGCCACCCGGT-3'
Protein context (NP_001269938.1, residues 855-875): SCSTLSLLSE[Lys865Arg]RPAEEPRGGR